The following is an entry in ClinVar:

NM_002878.4(RAD51D):c.362C>T (p.Ala121Val)

Genes: RAD51D (RAD51 paralog D; minus strand), RAD51L3-RFFL (RAD51L3-RFFL readthrough; minus strand). Cytogenetic location: 17q12.
Variant type: single nucleotide variant.
Coding change: c.362C>T on transcript NM_002878.4 (MANE Select); coding-DNA position 362, C replaced by T.
Protein change: p.Ala121Val; replaces alanine 121 with valine.
Molecular consequence: missense variant. On other transcripts: non-coding transcript variant (1), intron variant (1).
Genome position (GRCh38, 1-based): chr17:35,107,106, G>A on the plus strand (C>T on the coding strand, the complement: RAD51D is on the minus strand). VCF-style: chr17-35107106-G-A. GRCh37 (hg19) VCF-style: chr17-33434125-G-A.
Other names: c.422C>T, p.Ala141Val (NM_001142571.2); c.145-625C>T (NM_133629.3); short protein forms A121V, A141V.
Identifiers: ClinVar variation 1948506 (VCV001948506.5), dbSNP rs2142433816, ClinGen allele CA399089376.

ClinVar aggregate classification (germline): Uncertain significance (1 of 4 stars; one submission).

Conditions:
Breast-ovarian cancer, familial, susceptibility to, 4. Identifiers: Orphanet 145, MedGen C3280345, MONDO:0013669, OMIM 614291.

Submission:

Labcorp Genetics (formerly Invitae), Labcorp
Classification: Uncertain significance for Breast-ovarian cancer, familial, susceptibility to, 4. Last evaluated: 2022-09-22. Review status: criteria provided, single submitter. Criteria: Invitae Variant Classification Sherloc (09022015). Collection method: clinical testing. Allele origin: germline.
Comment: In summary, the available evidence is currently insufficient to determine the role of this variant in disease. Therefore, it has been classified as a Variant of Uncertain Significance. Advanced modeling of protein sequence and biophysical properties (such as structural, functional, and spatial information, amino acid conservation, physicochemical variation, residue mobility, and thermodynamic stability) performed at Invitae indicates that this missense variant is not expected to disrupt RAD51D protein function. This variant has not been reported in the literature in individuals affected with RAD51D-related conditions. This variant is not present in population databases (gnomAD no frequency). This sequence change replaces alanine, which is neutral and non-polar, with valine, which is neutral and non-polar, at codon 121 of the RAD51D protein (p.Ala121Val).